The following is an entry in ClinVar:

NM_201384.3(PLEC):c.2839G>A (p.Gly947Arg)

Gene: PLEC (plectin; minus strand). Cytogenetic location: 8q24.3.
Variant type: single nucleotide variant.
Coding change: c.2839G>A on transcript NM_201384.3 (MANE Select); coding-DNA position 2839, G replaced by A.
Protein change: p.Gly947Arg; replaces glycine 947 with arginine.
Molecular consequence: missense variant.
Genome position (GRCh38, 1-based): chr8:143,929,730, C>T on the plus strand (G>A on the coding strand, the complement: PLEC is on the minus strand). VCF-style: chr8-143929730-C-T. GRCh37 (hg19) VCF-style: chr8-145003898-C-T.
Other names: c.2920G>A, p.Gly974Arg (NM_000445.5); c.2797G>A, p.Gly933Arg (NM_201378.4); c.2773G>A, p.Gly925Arg (NM_201379.3); c.3250G>A, p.Gly1084Arg (NM_201380.4); c.2743G>A, p.Gly915Arg (NM_201381.3); c.2839G>A, p.Gly947Arg (NM_201382.4); c.2851G>A, p.Gly951Arg (NM_201383.3); c.2920G>A (NM_000445.3); short protein forms G1084R, G933R, G915R, G951R, G974R, G947R, G925R.
Identifiers: ClinVar variation 471564 (VCV000471564.12), dbSNP rs367695725, ClinGen allele CA4927324.
Genomic context (GRCh38, chr8:143,929,730, plus strand): 5'-GCTGGTAGTGGTGGCTGCAGGAGCCGTACTCGCGCTCAGCCATCAGCCGGTCCTCGGGTC[C>T]GAAGCCGCCCGCGTCCTGGCTGTCCCGCAGGAAGGCCTGGTAGTGCAGCTCCAGGCTGTG-3'
Protein context (NP_958786.1, residues 937-957): LRDSQDAGGF[Gly947Arg]PEDRLMAERE

ClinVar aggregate classification (germline): Uncertain significance. Review status: criteria provided, multiple submitters, no conflicts (2 of 4 stars). 4 submissions from 4 submitters: Uncertain significance (4). Last evaluated 2025-11-06.

Conditions:
PLEC-related disorder. Also called: PLEC-related disorders; PLEC-related condition.
Autosomal recessive limb-girdle muscular dystrophy type 2Q (LGMDR17). Also called: MUSCULAR DYSTROPHY, LIMB-GIRDLE, AUTOSOMAL RECESSIVE 17. Identifiers: Orphanet 254361, MedGen C3150989, MONDO:0013390, OMIM 613723.
Epidermolysis bullosa simplex with nail dystrophy (EBS5D). Identifiers: MedGen C4225309, MONDO:0014661, OMIM 616487.
Epidermolysis bullosa simplex 5C, with pyloric atresia (EBS5C). Also called: PLEC-Related Epidermolysis Bullosa with Pyloric Atresia; Epidermolysis bullosa simplex with pyloric atresia; PLEC1-Related Epidermolysis Bullosa with Pyloric Atresia. Identifiers: Orphanet 158684, MedGen C2677349, MONDO:0012807, OMIM 612138.
Epidermolysis bullosa simplex, Ogna type (EBS5A). Also called: Pidermolysis bullosa simplex 5A, Ogna type; EPIDERMOLYSIS BULLOSA SIMPLEX 5A, OGNA TYPE. Identifiers: Orphanet 79401, MedGen C0432317, MONDO:0007555, OMIM 131950.
Epidermolysis bullosa simplex 5B, with muscular dystrophy (EBS5B). Also called: EPIDERMOLYSIS BULLOSA SIMPLEX AND LIMB-GIRDLE MUSCULAR DYSTROPHY; Epidermolysis bullosa simplex with muscular dystrophy. Identifiers: Orphanet 257, MedGen C2931072, MONDO:0009181, OMIM 226670.
Inborn genetic diseases. Identifiers: MedGen C0950123, MeSH D030342.

Allele frequency attached by ClinVar (database versions not stated): gnomAD exomes 0.00003 and 0.00004; ExAC 0.00005; gnomAD 0.00011 and 0.00014; TOPMed 0.00015; ESP Exome Variant Server 0.00016.
gnomAD v4.1: 67 of 1,599,118 alleles (0.0042%); highest among the groups gnomAD compares: African/African-American, 0.023%; no homozygotes.

Submissions (4):

PreventionGenetics, part of Exact Sciences
Classification: Uncertain significance for PLEC-related condition. Last evaluated: 2025-11-06. Review status: criteria provided, single submitter. Criteria: ACMG Guidelines, 2015. Collection method: clinical testing. Allele origin: germline.
Comment: The PLEC c.2920G>A variant is predicted to result in the amino acid substitution p.Gly974Arg. To our knowledge, this variant has not been reported in the literature. This variant is reported in 0.041% of alleles in individuals of African descent in gnomAD. At this time, the clinical significance of this variant is uncertain due to the absence of conclusive functional and genetic evidence.

Labcorp Genetics (formerly Invitae), Labcorp
Classification: Uncertain significance for Autosomal recessive limb-girdle muscular dystrophy type 2Q; Epidermolysis bullosa simplex, Ogna type; Epidermolysis bullosa simplex with nail dystrophy; Epidermolysis bullosa simplex 5C, with pyloric atresia; Epidermolysis bullosa simplex 5B, with muscular dystrophy. Last evaluated: 2025-09-17. Review status: criteria provided, single submitter. Criteria: Invitae Variant Classification Sherloc (09022015). Collection method: clinical testing. Allele origin: germline.
Comment: This sequence change replaces glycine, which is neutral and non-polar, with arginine, which is basic and polar, at codon 974 of the PLEC protein (p.Gly974Arg). This variant is present in population databases (rs367695725, gnomAD 0.04%). This variant has not been reported in the literature in individuals affected with PLEC-related conditions. ClinVar contains an entry for this variant (Variation ID: 471564). Invitae Evidence Modeling of protein sequence and biophysical properties (such as structural, functional, and spatial information, amino acid conservation, physicochemical variation, residue mobility, and thermodynamic stability) indicates that this missense variant is not expected to disrupt PLEC protein function with a negative predictive value of 80%. In summary, the available evidence is currently insufficient to determine the role of this variant in disease. Therefore, it has been classified as a Variant of Uncertain Significance.

Ambry Genetics
Classification: Uncertain significance for Inborn genetic diseases. Last evaluated: 2024-05-08. Review status: criteria provided, single submitter. Criteria: Ambry Variant Classification Scheme 2023. Collection method: clinical testing. Allele origin: germline.

Revvity Omics, Revvity
Classification: Uncertain significance. Last evaluated: 2019-12-07. Review status: criteria provided, single submitter. Criteria: ACMG Guidelines, 2015. Collection method: clinical testing. Allele origin: germline.